The following is an entry in ClinVar:

NM_182931.3(KMT2E):c.743G>C (p.Gly248Ala)

Gene: KMT2E (lysine methyltransferase 2E (inactive); plus strand). Cytogenetic location: 7q22.3.
Variant type: single nucleotide variant.
Coding change: c.743G>C on transcript NM_182931.3 (MANE Select); coding-DNA position 743, G replaced by C.
Protein change: p.Gly248Ala; replaces glycine 248 with alanine.
Molecular consequence: missense variant.
Genome position (GRCh38, 1-based): chr7:105,076,056, G>C. VCF-style: chr7-105076056-G-C. GRCh37 (hg19) VCF-style: chr7-104716503-G-C.
Other names: c.743G>C, p.Gly248Ala (NM_001410908.1, NM_018682.4); short protein forms G248A.
Identifiers: ClinVar variation 3383850 (VCV003383850.1).

ClinVar aggregate classification (germline): Uncertain significance (1 of 4 stars; one submission).

Submission:

GeneDx
Classification: Uncertain significance. Last evaluated: 2024-06-02. Review status: criteria provided, single submitter. Criteria: GeneDx Variant Classification Process June 2021. Collection method: clinical testing. Allele origin: germline. Affected: yes.
Comment: Not observed at significant frequency in large population cohorts (gnomAD); In silico analysis supports that this missense variant has a deleterious effect on protein structure/function; Has not been previously published as pathogenic or benign to our knowledge